The following is an entry in ClinVar:

NM_005886.3(KATNB1):c.699C>A (p.Pro233=)

Gene: KATNB1 (katanin regulatory subunit B1; plus strand). Cytogenetic location: 16q21.
Variant type: single nucleotide variant.
Coding change: c.699C>A on transcript NM_005886.3 (MANE Select); coding-DNA position 699, C replaced by A.
Protein change: p.Pro233=; no amino-acid change (proline 233 retained).
Molecular consequence: synonymous variant.
Genome position (GRCh38, 1-based): chr16:57,752,596, C>A. VCF-style: chr16-57752596-C-A. GRCh37 (hg19) VCF-style: chr16-57786508-C-A.
Identifiers: ClinVar variation 733926 (VCV000733926.13), dbSNP rs34508238, ClinGen allele CA8080851.
Genomic context (GRCh38, chr16:57,752,596, plus strand): 5'-CCGCTTCTGGGACCTGGAGAAGTTCCAGGTGGTGAGCTGCATCGAAGGGGAGCCTGGGCC[C>A]GTCAGGTACGCAGGCTGTGGGGTGGGCGGCCCAGCGCTCCTCCCGGCAGTGGGGCGTGGC-3'
Protein context (NP_005877.2, residues 223-243): VVSCIEGEPG[Pro233=]VRSVLFNPDG

ClinVar aggregate classification (germline): Benign/Likely benign. Review status: criteria provided, multiple submitters, no conflicts (2 of 4 stars). 3 submissions from 3 submitters: Benign (1); Likely benign (1). 1 of the submissions does not count toward it. Last evaluated 2025-12-18.

Conditions:
KATNB1-related disorder. Also called: KATNB1-related condition.

Allele frequency attached by ClinVar (database versions not stated): 1000 Genomes Project 30x 0.00062; 1000 Genomes Project 0.00080; ESP Exome Variant Server 0.00108; TOPMed 0.00129.
gnomAD v4.1: 370 of 1,565,802 alleles (0.024%); highest among the groups gnomAD compares: African/African-American, 0.45%; 1 homozygote.

Submissions (3):

Labcorp Genetics (formerly Invitae), Labcorp
Classification: Benign. Last evaluated: 2025-12-18. Review status: criteria provided, single submitter. Criteria: Invitae Variant Classification Sherloc (09022015). Collection method: clinical testing. Allele origin: germline.

GeneDx
Classification: Likely benign. Last evaluated: 2020-12-02. Review status: criteria provided, single submitter. Criteria: GeneDx Variant Classification Process June 2021. Collection method: clinical testing. Allele origin: germline. Affected: yes.

PreventionGenetics, part of Exact Sciences
Classification: Likely benign for KATNB1-related condition. Last evaluated: 2019-12-26. Review status: no assertion criteria provided. Collection method: clinical testing. Allele origin: germline. Not counted in ClinVar's aggregate classification.
Comment: This variant is classified as likely benign based on ACMG/AMP sequence variant interpretation guidelines (Richards et al. 2015 PMID: 25741868, with internal and published modifications).